The following is an entry in ClinVar:

NM_000282.4(PCCA):c.914+46TTCA[3]

Gene: PCCA (propionyl-CoA carboxylase subunit alpha; plus strand). Cytogenetic location: 13q32.3.
Variant type: Microsatellite.
Coding change: c.914+46TTCA[3] on transcript NM_000282.4 (MANE Select); three copies in a row of the 4-base unit TTCA starting at c.914+46.
Molecular consequence: intron variant.
Genome position: GRCh38 VCF-style: chr13-100268828-TTTCATTCATTCA-T. GRCh37 (hg19) VCF-style: chr13-100921082-TTTCATTCATTCA-T.
Other names: c.914+46TTCA[3] (NM_001178004.2, NM_001352605.2, NM_001352606.2 and 1 more transcripts); c.-32+46TTCA[3] (NM_001352610.2, NM_001352611.2, NM_001352612.2); c.836+46TTCA[3] (NM_001127692.3, NM_001352607.2, NM_001352608.2).
Identifiers: ClinVar variation 676761 (VCV000676761.1), dbSNP rs113891803, ClinGen allele CA7033439.
Genomic context (GRCh38, chr13:100,268,828, plus strand): 5'-TGGAGGAAGCACCAAGGTAAGTCTCCTAAGAAACATTTATAAAGCGGCTGCTTTTATGCA[TTTCATTCATTCA>T]TTCATTCATTCATCATTCACTGACGCATGCATTCAGAGACAGGGTCTCACTCTGTTGCCC-3'

ClinVar aggregate classification (germline): Benign (1 of 4 stars; one submission).

Submission:

GeneDx
Classification: Benign. Last evaluated: 2018-06-14. Review status: criteria provided, single submitter. Criteria: GeneDx Variant Classification (06012015). Collection method: clinical testing. Allele origin: germline. Affected: yes.
Comment: This variant is considered likely benign or benign based on one or more of the following criteria: it is a conservative change, it occurs at a poorly conserved position in the protein, it is predicted to be benign by multiple in silico algorithms, and/or has population frequency not consistent with disease.